The following is an entry in ClinVar:

ClinVar aggregate classification (germline): Uncertain significance. Review status: criteria provided, multiple submitters, no conflicts (2 of 4 stars). 2 submissions from 2 submitters: Uncertain significance (2). Last evaluated 2024-06-22.

gnomAD v4.1: 3 of 1,614,176 alleles (0.00019%); highest among the groups gnomAD compares: East Asian, 0.0067%; no homozygotes.

Submissions (2):

Ambry Genetics
Classification: Uncertain significance. Last evaluated: 2024-06-22. Review status: criteria provided, single submitter. Criteria: Ambry Variant Classification Scheme 2023. Collection method: clinical testing. Allele origin: germline.

Labcorp Genetics (formerly Invitae), Labcorp
Classification: Uncertain significance. Last evaluated: 2024-05-21. Review status: criteria provided, single submitter. Criteria: Invitae Variant Classification Sherloc (09022015). Collection method: clinical testing. Allele origin: germline.
Comment: This sequence change replaces glutamine, which is neutral and polar, with arginine, which is basic and polar, at codon 177 of the CARD8 protein (p.Gln177Arg). This variant is present in population databases (rs766481667, gnomAD 0.03%). This variant has not been reported in the literature in individuals affected with CARD8-related conditions. An algorithm developed to predict the effect of missense changes on protein structure and function (PolyPhen-2) suggests that this variant is likely to be tolerated. In summary, the available evidence is currently insufficient to determine the role of this variant in disease. Therefore, it has been classified as a Variant of Uncertain Significance.

NM_001184900.3(CARD8):c.680A>G (p.Gln227Arg)

Gene: CARD8 (caspase recruitment domain family member 8; minus strand). Cytogenetic location: 19q13.33.
Variant type: single nucleotide variant.
Coding change: c.680A>G on transcript NM_001184900.3 (MANE Select); coding-DNA position 680, A replaced by G.
Protein change: p.Gln227Arg; replaces glutamine 227 with arginine.
Molecular consequence: missense variant. On other transcripts: non-coding transcript variant (4).
Genome position (GRCh38, 1-based): chr19:48,230,869, T>C on the plus strand (A>G on the coding strand, the complement: CARD8 is on the minus strand). VCF-style: chr19-48230869-T-C. GRCh37 (hg19) VCF-style: chr19-48734126-T-C.
Other names: c.530A>G, p.Gln177Arg (NM_001184901.1, NM_001351783.2, NM_001351788.2 and 2 more transcripts); c.680A>G, p.Gln227Arg (NM_001184902.2, NM_001184903.1, NM_001351782.2); c.365A>G, p.Gln122Arg (NM_001351784.2, NM_001351787.2, NM_001351791.2 and 2 more transcripts); c.344A>G, p.Gln115Arg (NM_001351786.2); c.437A>G, p.Gln146Arg (NM_001351790.2); short protein forms Q122R, Q146R, Q115R, Q177R, Q227R.
Identifiers: ClinVar variation 3263314 (VCV003263314.3).